The following is an entry in ClinVar:

NM_004260.4(RECQL4):c.694G>A (p.Ala232Thr)

Gene: RECQL4 (RecQ like helicase 4; minus strand). Cytogenetic location: 8q24.3.
Variant type: single nucleotide variant.
Coding change: c.694G>A on transcript NM_004260.4 (MANE Select); coding-DNA position 694, G replaced by A.
Protein change: p.Ala232Thr; replaces alanine 232 with threonine.
Molecular consequence: missense variant.
Genome position (GRCh38, 1-based): chr8:144,516,425, C>T on the plus strand (G>A on the coding strand, the complement: RECQL4 is on the minus strand). VCF-style: chr8-144516425-C-T. GRCh37 (hg19) VCF-style: chr8-145741809-C-T.
Other names: short protein forms A232T.
Identifiers: ClinVar variation 570511 (VCV000570511.5), dbSNP rs776332812, ClinGen allele CA4949204.

ClinVar aggregate classification (germline): Uncertain significance (1 of 4 stars; one submission).

Conditions:
Baller-Gerold syndrome (BGS). Also called: CRANIOSYNOSTOSIS WITH RADIAL DEFECTS. Identifiers: Orphanet 1225, MedGen C0265308, MONDO:0009039, OMIM 218600.

Allele frequency attached by ClinVar (database versions not stated): gnomAD exomes below 0.00001; ExAC 0.00001.
gnomAD v4.1: 3 of 1,609,166 alleles (0.00019%); highest among the groups gnomAD compares: South Asian, 0.0033%; no homozygotes.

Submission:

Labcorp Genetics (formerly Invitae), Labcorp
Classification: Uncertain significance for Baller-Gerold syndrome. Last evaluated: 2025-03-18. Review status: criteria provided, single submitter. Criteria: Invitae Variant Classification Sherloc (09022015). Collection method: clinical testing. Allele origin: germline.
Comment: This sequence change replaces alanine, which is neutral and non-polar, with threonine, which is neutral and polar, at codon 232 of the RECQL4 protein (p.Ala232Thr). The frequency data for this variant in the population databases is considered unreliable, as metrics indicate poor data quality at this position in the gnomAD database. This variant has not been reported in the literature in individuals affected with RECQL4-related conditions. ClinVar contains an entry for this variant (Variation ID: 570511). Invitae Evidence Modeling of protein sequence and biophysical properties (such as structural, functional, and spatial information, amino acid conservation, physicochemical variation, residue mobility, and thermodynamic stability) indicates that this missense variant is not expected to disrupt RECQL4 protein function with a negative predictive value of 80%. In summary, the available evidence is currently insufficient to determine the role of this variant in disease. Therefore, it has been classified as a Variant of Uncertain Significance.